The following is an entry in ClinVar:

NM_006565.4(CTCF):c.2005G>A (p.Ala669Thr)

Gene: CTCF (CCCTC-binding factor; plus strand). Cytogenetic location: 16q22.1.
Variant type: single nucleotide variant.
Coding change: c.2005G>A on transcript NM_006565.4 (MANE Select); coding-DNA position 2005, G replaced by A.
Protein change: p.Ala669Thr; replaces alanine 669 with threonine.
Molecular consequence: missense variant. On other transcripts: splice acceptor variant (2).
Genome position (GRCh38, 1-based): chr16:67,637,693, G>A. VCF-style: chr16-67637693-G-A. GRCh37 (hg19) VCF-style: chr16-67671596-G-A.
Other names: c.1021G>A, p.Ala341Thr (NM_001191022.2); c.2005G>A, p.Ala669Thr (NM_001438968.1); c.2000-1G>A (NM_001438969.1, NM_001363916.2); short protein forms A341T, A669T.
Identifiers: ClinVar variation 3351056 (VCV003351056.1).

ClinVar aggregate classification (germline): Uncertain significance (0 of 4 stars; one submission).

Conditions:
CTCF-related disorder. Also called: CTCF-related condition. Identifiers: MedGen CN381101.

Submission:

PreventionGenetics, part of Exact Sciences
Classification: Uncertain significance for CTCF-related condition. Last evaluated: 2024-04-27. Review status: no assertion criteria provided. Collection method: clinical testing. Allele origin: germline.
Comment: The CTCF c.2000-1G>A variant is predicted to disrupt the AG splice acceptor site and interfere with normal splicing. However, in an alternate transcript (NM_006565.3), this variant is known as c.2005G>A and results in an amino acid substitution (p.Ala669Thr). The p.Ala669Thr variant has been reported as paternally-inherited in a patient from a neurodevelopmental disorder cohort (Index_0256 in Supplementary Data 5, Wang et al. 2020. PubMed ID: 33004838). This variant has not been reported in a large population database, indicating this variant is rare. At this time, the clinical significance of this variant is uncertain due to the absence of conclusive functional and genetic evidence.